The following is an entry in ClinVar:

ClinVar aggregate classification (germline): Conflicting classifications of pathogenicity. Review status: criteria provided, conflicting classifications (1 of 4 stars). 6 submissions from 6 submitters: Uncertain significance (2); Benign (1); Likely benign (2). 1 of the submissions does not count toward it. Last evaluated 2025-11-24.

Conditions:
KMT2D-related disorder. Also called: KMT2D-Related Disorders.
Kabuki syndrome. Also called: NIIKAWA-KUROKI SYNDROME; Kabuki make-up syndrome. Identifiers: Orphanet 2322, MedGen C0796004, MONDO:0016512.

Allele frequency attached by ClinVar (database versions not stated): gnomAD exomes 0.00001; ExAC 0.00002; gnomAD 0.00011 and 0.00013; TOPMed 0.00028; 1000 Genomes Project 30x 0.00031; 1000 Genomes Project 0.00040.
gnomAD v4.1: 32 of 1,598,048 alleles (0.002%); highest among the groups gnomAD compares: Admixed American, 0.038%; no homozygotes.

Submissions (6):

Labcorp Genetics (formerly Invitae), Labcorp
Classification: Benign for Kabuki syndrome. Last evaluated: 2025-11-24. Review status: criteria provided, single submitter. Criteria: Invitae Variant Classification Sherloc (09022015). Collection method: clinical testing. Allele origin: germline.

PreventionGenetics, part of Exact Sciences
Classification: Likely benign for KMT2D-related condition. Last evaluated: 2024-12-14. Review status: criteria provided, single submitter. Criteria: ACMG Guidelines, 2015. Collection method: clinical testing. Allele origin: germline.
Comment: This variant is classified as likely benign based on ACMG/AMP sequence variant interpretation guidelines (Richards et al. 2015 PMID: 25741868, with internal and published modifications).

Women's Health and Genetics/Laboratory Corporation of America, LabCorp
Classification: Uncertain significance. Last evaluated: 2024-11-04. Review status: criteria provided, single submitter. Criteria: LabCorp Variant Classification Summary - May 2015. Collection method: clinical testing. Allele origin: germline.
Comment: Variant summary: KMT2D c.9482T>C (p.Met3161Thr) results in a non-conservative amino acid change in the encoded protein sequence. Four of five in-silico tools predict a benign effect of the variant on protein function. The variant allele was found at a frequency of 9e-06 in 221356 control chromosomes. The available data on variant occurrences in the general population are insufficient to allow any conclusion about variant significance. To our knowledge, no occurrence of c.9482T>C in individuals affected with Kabuki Syndrome 1 and no experimental evidence demonstrating its impact on protein function have been reported. ClinVar contains an entry for this variant (Variation ID: 134709). Based on the evidence outlined above, the variant was classified as uncertain significance.

GeneDx
Classification: Likely benign. Last evaluated: 2020-08-28. Review status: criteria provided, single submitter. Criteria: GeneDx Variant Classification Process June 2021. Collection method: clinical testing. Allele origin: germline. Affected: yes.

Eurofins Ntd Llc (ga)
Classification: Uncertain significance. Last evaluated: 2016-05-12. Review status: criteria provided, single submitter. Criteria: EGL Classification Definitions 2015. Collection method: clinical testing. Allele origin: germline. Observed: 1 variant allele, 1 heterozygote.

ITMI
No classification provided. Condition: AllHighlyPenetrant. Last evaluated: 2013-09-19. Review status: no classification provided. Collection method: reference population. Allele origin: germline. Not counted in ClinVar's aggregate classification.
Comment: Please see associated publication for description of ethnicities

Literature cited by the submitters: PubMed 24728327 (cited by ITMI).

NM_003482.4(KMT2D):c.9482T>C (p.Met3161Thr)

Gene: KMT2D (lysine methyltransferase 2D; minus strand). Cytogenetic location: 12q13.12.
Variant type: single nucleotide variant.
Coding change: c.9482T>C on transcript NM_003482.4 (MANE Select); coding-DNA position 9482, T replaced by C.
Protein change: p.Met3161Thr; replaces methionine 3161 with threonine.
Molecular consequence: missense variant.
Genome position (GRCh38, 1-based): chr12:49,037,874, A>G on the plus strand (T>C on the coding strand, the complement: KMT2D is on the minus strand). VCF-style: chr12-49037874-A-G. GRCh37 (hg19) VCF-style: chr12-49431657-A-G.
Other names: short protein forms M3161T.
Identifiers: ClinVar variation 134709 (VCV000134709.17), dbSNP rs199831827, ClinGen allele CA160585.